The following is an entry in ClinVar:

NM_002863.5(PYGL):c.1831G>A (p.Ala611Thr)

Gene: PYGL (glycogen phosphorylase L; minus strand). Cytogenetic location: 14q22.1.
Variant type: single nucleotide variant.
Coding change: c.1831G>A on transcript NM_002863.5 (MANE Select); coding-DNA position 1831, G replaced by A.
Protein change: p.Ala611Thr; replaces alanine 611 with threonine.
Molecular consequence: missense variant.
Genome position (GRCh38, 1-based): chr14:50,911,868, C>T on the plus strand (G>A on the coding strand, the complement: PYGL is on the minus strand). VCF-style: chr14-50911868-C-T. GRCh37 (hg19) VCF-style: chr14-51378586-C-T.
Other names: c.1729G>A, p.Ala577Thr (NM_001163940.2); short protein forms A577T, A611T.
Identifiers: ClinVar variation 958745 (VCV000958745.9), dbSNP rs767847163, ClinGen allele CA389683902.
Genomic context (GRCh38, chr14:50,911,868, plus strand): 5'-CCACATCTGCCACTGAAGTGATCAGCTTTATGATCATTTTGGCCATGTGATATCCTGGGG[C>T]AGCCTTTGGGGAAGAAGGTCAAACGCATTGACAGAAGGCAGCCATGATGAAGTAGAAGAA-3'
Protein context (NP_002854.3, residues 601-621): PRTVIIGGKA[Ala611Thr]PGYHMAKMII

ClinVar aggregate classification (germline): Likely pathogenic (1 of 4 stars; one submission).

Conditions:
Glycogen storage disease, type VI (GSD6). Also called: Glycogen storage disease type 6, due to phosphorylation; GSD VI; Hepatic glycogen phosphorylase deficiency; Glycogen storage disease type 6; HERS DISEASE; PHOSPHORYLASE DEFICIENCY GLYCOGEN-STORAGE DISEASE OF LIVER. Identifiers: Orphanet 369, MedGen C0017925, MONDO:0009294, OMIM 232700.

gnomAD v4.1: 2 of 1,577,198 alleles (0.00013%); highest among the groups gnomAD compares: African/African-American, 0.0035%; no homozygotes.

Submission:

Labcorp Genetics (formerly Invitae), Labcorp
Classification: Likely pathogenic for Glycogen storage disease, type VI. Last evaluated: 2023-11-13. Review status: criteria provided, single submitter. Criteria: Invitae Variant Classification Sherloc (09022015). Collection method: clinical testing. Allele origin: germline.
Comment: This sequence change replaces alanine, which is neutral and non-polar, with threonine, which is neutral and polar, at codon 611 of the PYGL protein (p.Ala611Thr). This variant is present in population databases (no rsID available, gnomAD 0.007%). This missense change has been observed in individual(s) with clinical features of glycogen storage disease type VI (Invitae). In at least one individual the data is consistent with being in trans (on the opposite chromosome) from a pathogenic variant. ClinVar contains an entry for this variant (Variation ID: 958745). Advanced modeling of protein sequence and biophysical properties (such as structural, functional, and spatial information, amino acid conservation, physicochemical variation, residue mobility, and thermodynamic stability) performed at Invitae indicates that this missense variant is expected to disrupt PYGL protein function with a positive predictive value of 80%. This variant disrupts the p.Ala611 amino acid residue in PYGL. Other variant(s) that disrupt this residue have been determined to be pathogenic (PMID: 32268899, 32772503). This suggests that this residue is clinically significant, and that variants that disrupt this residue are likely to be disease-causing. In summary, the currently available evidence indicates that the variant is pathogenic, but additional data are needed to prove that conclusively. Therefore, this variant has been classified as Likely Pathogenic.

Literature cited by the submitters: PubMed 32268899; PubMed 32772503.